The following is an entry in ClinVar:

ClinVar aggregate classification (germline): Likely benign (1 of 4 stars; one submission).

Allele frequency attached by ClinVar (database versions not stated): gnomAD exomes 0.00011; gnomAD 0.00110; TOPMed 0.00112; 1000 Genomes Project 30x 0.00172.

Submission:

CeGaT Center for Human Genetics Tuebingen
Classification: Likely benign. Last evaluated: 2022-06-01. Review status: criteria provided, single submitter. Criteria: CeGaT Center For Human Genetics Tuebingen Variant Classification Criteria Version 2. Collection method: clinical testing. Allele origin: germline. Affected: yes. Observed: 1 variant allele.
Comment: DDX51: BP4, BP7

NM_175066.4(DDX51):c.186G>C (p.Pro62=)

Gene: DDX51 (DEAD-box helicase 51; minus strand). Cytogenetic location: 12q24.33.
Variant type: single nucleotide variant.
Coding change: c.186G>C on transcript NM_175066.4 (MANE Select); coding-DNA position 186, G replaced by C.
Protein change: p.Pro62=; no amino-acid change (proline 62 retained).
Molecular consequence: synonymous variant.
Genome position (GRCh38, 1-based): chr12:132,144,111, C>G on the plus strand (G>C on the coding strand, the complement: DDX51 is on the minus strand). VCF-style: chr12-132144111-C-G. GRCh37 (hg19) VCF-style: chr12-132628656-C-G.
Identifiers: ClinVar variation 2643632 (VCV002643632.24), dbSNP rs1038166156, ClinGen allele CA246197464.